The following is an entry in ClinVar:

ClinVar aggregate classification (germline): Pathogenic (1 of 4 stars; one submission).

Conditions:
Vici syndrome (VICIS). Identifiers: Orphanet 1493, MedGen C1855772, MONDO:0009452, OMIM 242840.

Submission:

Labcorp Genetics (formerly Invitae), Labcorp
Classification: Pathogenic for Vici syndrome. Last evaluated: 2023-06-16. Review status: criteria provided, single submitter. Criteria: Invitae Variant Classification Sherloc (09022015). Collection method: clinical testing. Allele origin: germline.
Comment: This sequence change creates a premature translational stop signal (p.Pro1988*) in the EPG5 gene. It is expected to result in an absent or disrupted protein product. Loss-of-function variants in EPG5 are known to be pathogenic (PMID: 23222957, 23674064). This variant is not present in population databases (gnomAD no frequency). This variant has not been reported in the literature in individuals affected with EPG5-related conditions. For these reasons, this variant has been classified as Pathogenic.

Literature cited by the submitters: PubMed 23222957; PubMed 23674064.

NM_020964.3(EPG5):c.5962_5968del (p.Tyr1987_Pro1988insTer)

Gene: EPG5 (ectopic P-granules 5 autophagy tethering factor; minus strand). Cytogenetic location: 18q12.3.
Variant type: Deletion.
Coding change: c.5962_5968del on transcript NM_020964.3 (MANE Select); coding-DNA positions 5962 to 5968, 7 bases deleted (CCCTGGC; older notation c.5962_5968delCCCTGGC).
Protein change: p.Tyr1987_Pro1988insTer.
Molecular consequence: nonsense.
Genome position (GRCh38, 1-based): chr18:45,876,317-45,876,323, GCCAGGG deleted on the plus strand (CCCTGGC on the coding strand, the reverse complement: EPG5 is on the minus strand); deleting any 7 consecutive bases within chr18:45,876,317-45,876,324 gives the same sequence; the c. name uses the placement nearest the transcript's 3' end. VCF-style (leftmost placement, unchanged base first): chr18-45876316-AGCCAGGG-A. GRCh37 (hg19) VCF-style: chr18-43456281-AGCCAGGG-A.
Other names: c.5962_5968del, p.Tyr1987_Pro1988insTer (NM_001410858.1); c.5959_5965del, p.Tyr1986_Pro1987insTer (NM_001410859.1).
Identifiers: ClinVar variation 2717491 (VCV002717491.3), dbSNP rs2511547936, ClinGen allele CA2697555410.